The following is an entry in ClinVar:

ClinVar aggregate classification (germline): Uncertain significance (1 of 4 stars; one submission).

Conditions:
Early-infantile DEE. Also called: Ohtahara syndrome; Early infantile epileptic encephalopathy; Early infantile epileptic encephalopathy with suppression bursts. Identifiers: Orphanet 1934, MedGen C0393706, MONDO:0800491.

Submission:

Labcorp Genetics (formerly Invitae), Labcorp
Classification: Uncertain significance for Early-infantile DEE. Last evaluated: 2023-11-08. Review status: criteria provided, single submitter. Criteria: Invitae Variant Classification Sherloc (09022015). Collection method: clinical testing. Allele origin: germline.
Comment: This sequence change falls in intron 6 of the SCN8A gene. It does not directly change the encoded amino acid sequence of the SCN8A protein. It affects a nucleotide within the consensus splice site. This variant is not present in population databases (gnomAD no frequency). This variant has not been reported in the literature in individuals affected with SCN8A-related conditions. Variants that disrupt the consensus splice site are a relatively common cause of aberrant splicing (PMID: 17576681, 9536098). Algorithms developed to predict the effect of sequence changes on RNA splicing suggest that this variant may disrupt the consensus splice site. In summary, the available evidence is currently insufficient to determine the role of this variant in disease. Therefore, it has been classified as a Variant of Uncertain Significance.

Literature cited by the submitters: PubMed 17576681; PubMed 9536098.

NM_001330260.2(SCN8A):c.615-151G>A

Gene: SCN8A (sodium voltage-gated channel alpha subunit 8; plus strand). Cytogenetic location: 12q13.13.
Variant type: single nucleotide variant.
Coding change: c.615-151G>A on transcript NM_001330260.2 (MANE Select); 151 bases into the intron before coding-DNA position 615, G replaced by A.
Molecular consequence: intron variant.
Genome position (GRCh38, 1-based): chr12:51,688,854, G>A. VCF-style: chr12-51688854-G-A. GRCh37 (hg19) VCF-style: chr12-52082638-G-A.
Other names: c.706+5G>A (NM_014191.4, NM_001177984.3); c.615-151G>A (NM_001369788.1).
Identifiers: ClinVar variation 2772621 (VCV002772621.3), dbSNP rs1941461790, ClinGen allele CA2697553040.